The following continues an entry in ClinVar:

NM_000059.4(BRCA2):c.7232A>C (p.Lys2411Thr)

Gene: BRCA2. ClinVar aggregate classification (germline): Benign. Benign (1).

Submissions 17 to 20 of 20:

Department of Pathology and Laboratory Medicine, Sinai Health System
Classification: Likely benign. Review status: no assertion criteria provided. Collection method: clinical testing. Allele origin: unknown. Affected: yes. Observed: 3 variant alleles. Study: The Canadian Open Genetics Repository (COGR). Not counted in ClinVar's aggregate classification.
Comment: The BRCA2 p.Lys2411Thr variant was identified in 2 of 6116 proband chromosomes (frequency: 0.000327) from individuals or families with hereditary breast and ovarian cancer (Borg_2010, Capanu_2011, Laitman_2011) and in 1 of 2796 control chromosomes (freq. 0.00036). The variant was also identified in the following databases: dbSNP (ID: rs80358950) as â€šÃ„ÃºWith other alleleâ€šÃ„Ã¹, ClinVar (as benign by Ambry Genetics and VKGL Data-share Consensus, as likely benign by Counsyl, GeneDx, Quest Diagnostics, Color Genomics, Integrated Genetics, and Invitae, and as uncertain significance by COGR), Clinvitae (4x), LOVD 3.0 (6x), UMD-LSDB (4x as uncertain significance), and ARUP Laboratories (as not pathogenic). The variant was not identified in Cosmic, MutDB, BIC Database, or Zhejiang Colon Cancer Database. The variant was identified in control databases in 13 of 246082 chromosomes at a frequency of 0.000053 (Genome Aggregation Database Feb 27, 2017). It was observed in the following populations: â€šÃ„ÃºOtherâ€šÃ„Ã¹ in 9 of 5480 chromosomes (freq: 0.001642), and European (Non-Finnish) in 4 of 111574 chromosomes (freq: 0.000036); it was not observed in the African, Latino, Ashkenazi Jewish, East Asian, European (Finnish), and South Asian populations. One functional study demonstrated homology-directed repair activity of the variant at a level similar to nonpathogenic variants (Guidugli_2014), and four studies using a multifactorial likelihood-ratio model predict the p.Lys2411Thr variant to be neutral (Easton_2007, Guidugli_2013, Lindor_2012, Pruss_2014_25085752). The p.Lys2411 residue is not conserved in mammals and computational analyses (PolyPhen-2, SIFT, AlignGVGD, BLOSUM, MutationTaster) provide inconsistent predictions regarding the impact to the protein; this information is not very predictive of pathogenicity. The variant occurs outside of the splicing consensus sequence and in silico or computational prediction software programs (SpliceSiteFinder, MaxEntScan, NNSPLICE, GeneSplicer, HumanSpliceFinder) do not predict a difference in splicing. In summary, based on the above information the clinical significance of this variant cannot be determined with certainty at this time although we would lean towards a more benign role for this variant. This variant is classified as likely benign.

Diagnostic Laboratory, Department of Genetics, University Medical Center Groningen
Classification: Likely benign for Breast-ovarian cancer, familial, susceptibility to, 2. Review status: no assertion criteria provided. Collection method: clinical testing. Allele origin: germline. Affected: yes. Study: VKGL Data-share Consensus. Not counted in ClinVar's aggregate classification.

Joint Genome Diagnostic Labs from Nijmegen and Maastricht, Radboudumc and MUMC+
Classification: Benign. Review status: no assertion criteria provided. Collection method: clinical testing. Allele origin: germline. Affected: yes. Study: VKGL Data-share Consensus. Not counted in ClinVar's aggregate classification.

Laboratory of Diagnostic Genome Analysis, Leiden University Medical Center (LUMC)
Classification: Benign. Review status: no assertion criteria provided. Collection method: clinical testing. Allele origin: germline. Affected: yes. Study: VKGL Data-share Consensus. Not counted in ClinVar's aggregate classification.

Literature cited by the submitters: PubMed 31131967 (cited by Evidence-based Network for the Interpretation of Germline Mutant Alleles (ENIGMA) and Quest Diagnostics Nichols Institute San Juan Capistrano); PubMed 21990134 (cited by Women's Health and Genetics/Laboratory Corporation of America, LabCorp and Counsyl); PubMed 20104584 (cited by 3 submitters); PubMed 17924331 (cited by 3 submitters); PubMed 21520273 (cited by Women's Health and Genetics/Laboratory Corporation of America, LabCorp and Quest Diagnostics Nichols Institute San Juan Capistrano); PubMed 24323938 (cited by Women's Health and Genetics/Laboratory Corporation of America, LabCorp and Counsyl); PubMed 21741379 (cited by Women's Health and Genetics/Laboratory Corporation of America, LabCorp); PubMed 23108138 (cited by Women's Health and Genetics/Laboratory Corporation of America, LabCorp and Quest Diagnostics Nichols Institute San Juan Capistrano); PubMed 16683254 (cited by 3 submitters); PubMed 22399190 (cited by Women's Health and Genetics/Laboratory Corporation of America, LabCorp); PubMed 25348012 (cited by Women's Health and Genetics/Laboratory Corporation of America, LabCorp and Quest Diagnostics Nichols Institute San Juan Capistrano); PubMed 32444794 (cited by Women's Health and Genetics/Laboratory Corporation of America, LabCorp and Quest Diagnostics Nichols Institute San Juan Capistrano); PubMed 33471991 (cited by Quest Diagnostics Nichols Institute San Juan Capistrano); PubMed 29036293 (cited by Quest Diagnostics Nichols Institute San Juan Capistrano); PubMed 25085752 (cited by Quest Diagnostics Nichols Institute San Juan Capistrano); PubMed 20960228 (cited by Quest Diagnostics Nichols Institute San Juan Capistrano and Counsyl); PubMed 26566278 (cited by Quest Diagnostics Nichols Institute San Juan Capistrano).